The following is an entry in ClinVar:

ClinVar aggregate classification (germline): Uncertain significance (1 of 4 stars; one submission).

Submission:

GeneDx
Classification: Uncertain significance. Last evaluated: 2022-12-08. Review status: criteria provided, single submitter. Criteria: GeneDx Variant Classification Process June 2021. Collection method: clinical testing. Allele origin: germline. Affected: yes.
Comment: Not observed at significant frequency in large population cohorts (gnomAD); In silico analysis supports that this missense variant does not alter protein structure/function; Has not been previously published as pathogenic or benign to our knowledge

NM_015046.7(SETX):c.7439C>A (p.Ala2480Asp)

Gene: SETX (senataxin; minus strand). Cytogenetic location: 9q34.13.
Variant type: single nucleotide variant.
Coding change: c.7439C>A on transcript NM_015046.7 (MANE Select); coding-DNA position 7439, C replaced by A.
Protein change: p.Ala2480Asp; replaces alanine 2480 with aspartic acid.
Molecular consequence: missense variant.
Genome position (GRCh38, 1-based): chr9:132,264,834, G>T on the plus strand (C>A on the coding strand, the complement: SETX is on the minus strand). VCF-style: chr9-132264834-G-T. GRCh37 (hg19) VCF-style: chr9-135140221-G-T.
Other names: c.7439C>A, p.Ala2480Asp (NM_001351527.2); c.7526C>A, p.Ala2509Asp (NM_001351528.2); short protein forms A2480D, A2509D.
Identifiers: ClinVar variation 2505041 (VCV002505041.1), dbSNP rs376524608, ClinGen allele CA375325518.
Genomic context (GRCh38, chr9:132,264,834, plus strand): 5'-GCAAATCCACTGTCTAGCTTGCTGCTGGGCAAACCACCCTGGGGTCTGGACCCCTCTGGG[G>T]CTATGGTAGGAGGGTGAGTGAGACTTCTCTGCAGCACAGGCTTGAGTTTCAGAATCTTCA-3'
Protein context (NP_055861.3, residues 2470-2490): QRSLTHPPTI[Ala2480Asp]PEGSRPQGGL